The following is an entry in ClinVar:

NM_000035.4(ALDOB):c.799+6G>A

Gene: ALDOB (aldolase, fructose-bisphosphate B; minus strand). Cytogenetic location: 9q31.1.
Variant type: single nucleotide variant.
Coding change: c.799+6G>A on transcript NM_000035.4 (MANE Select); 6 bases into the intron after coding-DNA position 799, G replaced by A.
Molecular consequence: intron variant.
Genome position (GRCh38, 1-based): chr9:101,425,447, C>T on the plus strand (G>A on the coding strand, the complement: ALDOB is on the minus strand). VCF-style: chr9-101425447-C-T. GRCh37 (hg19) VCF-style: chr9-104187729-C-T.
Other names: c.799+6G>A (LRG_1244t1).
Identifiers: ClinVar variation 254732 (VCV000254732.50), dbSNP rs141888548, ClinGen allele CA5161474.

ClinVar aggregate classification (germline): Conflicting classifications of pathogenicity. Review status: criteria provided, conflicting classifications (1 of 4 stars). 9 submissions from 9 submitters: Uncertain significance (1); Benign (1); Likely benign (6). 1 of the submissions does not count toward it. Last evaluated 2026-02-04.

Conditions:
Hereditary fructosuria. Also called: ALDOB DEFICIENCY; ALDOLASE B DEFICIENCY; FRUCTOSE-1,6-BISPHOSPHATE ALDOLASE B DEFICIENCY; FRUCTOSE-1-PHOSPHATE ALDOLASE DEFICIENCY; FRUCTOSEMIA; Hereditary fructose intolerance. Identifiers: Orphanet 469, MedGen C0016751, MONDO:0009249, OMIM 229600, HP:0005973. Disease mechanism: loss of function.

Allele frequency attached by ClinVar (database versions not stated): 1000 Genomes Project 30x 0.00141; 1000 Genomes Project 0.00160; ExAC 0.00186; gnomAD exomes 0.00201 and 0.00338; ESP Exome Variant Server 0.00223; gnomAD 0.00244 and 0.00251; TOPMed 0.00249.

Submissions (9):

Labcorp Genetics (formerly Invitae), Labcorp
Classification: Likely benign for Hereditary fructosuria. Last evaluated: 2026-02-04. Review status: criteria provided, single submitter. Criteria: Invitae Variant Classification Sherloc (09022015). Collection method: clinical testing. Allele origin: germline.

Blueprint Genetics
Classification: Likely benign. Last evaluated: 2024-11-26. Review status: criteria provided, single submitter. Criteria: ACMG Guidelines, 2015. Collection method: clinical testing. Allele origin: germline.

CeGaT Center for Human Genetics Tuebingen
Classification: Likely benign. Last evaluated: 2024-11-01. Review status: criteria provided, single submitter. Criteria: CeGaT Center For Human Genetics Tuebingen Variant Classification Criteria Version 2. Collection method: clinical testing. Allele origin: germline. Affected: yes. Observed: 2 variant alleles.
Comment: ALDOB: BP4

Women's Health and Genetics/Laboratory Corporation of America, LabCorp
Classification: Uncertain significance. Last evaluated: 2022-02-21. Review status: criteria provided, single submitter. Criteria: LabCorp Variant Classification Summary - May 2015. Collection method: clinical testing. Allele origin: germline.

GeneDx
Classification: Likely benign. Last evaluated: 2018-06-25. Review status: criteria provided, single submitter. Criteria: GeneDx Variant Classification Process June 2021. Collection method: clinical testing. Allele origin: germline. Affected: yes.

Illumina Laboratory Services, Illumina
Classification: Likely benign for Hereditary fructosuria. Last evaluated: 2018-01-12. Review status: criteria provided, single submitter. Criteria: ICSL Variant Classification Criteria 13 December 2019. Collection method: clinical testing. Allele origin: germline.
Comment: This variant was observed in the ICSL laboratory as part of a predisposition screen in an ostensibly healthy population. It had not been previously curated by ICSL or reported in the Human Gene Mutation Database (HGMD: prior to June 1st, 2018), and was therefore a candidate for classification through an automated scoring system. Utilizing variant allele frequency, disease prevalence and penetrance estimates, and inheritance mode, an automated score was calculated to assess if this variant is too frequent to cause the disease. Based on the score and internal cut-off values, a variant classified as likely benign is not then subjected to further curation. The score for this variant resulted in a classification of likely benign for this disease.

Eurofins Ntd Llc (ga)
Classification: Likely benign. Last evaluated: 2017-02-02. Review status: criteria provided, single submitter. Criteria: EGL Classification Definitions 2015. Collection method: clinical testing. Allele origin: germline. Observed: 1 variant allele, 1 heterozygote.

PreventionGenetics, part of Exact Sciences
Classification: Benign. Review status: criteria provided, single submitter. Criteria: ACMG Guidelines, 2015. Collection method: clinical testing. Allele origin: germline.

Natera, Inc.
Classification: Benign for Fructose intolerance. Last evaluated: 2019-10-18. Review status: no assertion criteria provided. Collection method: clinical testing. Allele origin: germline. Not counted in ClinVar's aggregate classification.